The following is an entry in ClinVar:

ClinVar aggregate classification (germline): Uncertain significance. Review status: criteria provided, multiple submitters, no conflicts (2 of 4 stars). 2 submissions from 2 submitters: Uncertain significance (2). Last evaluated 2025-09-28.

Conditions:
Inborn genetic diseases. Identifiers: MedGen C0950123, MeSH D030342.

Allele frequency attached by ClinVar (database versions not stated): TOPMed 0.00001; gnomAD 0.00001.
gnomAD v4.1: 4 of 1,614,102 alleles (0.00025%); highest among the groups gnomAD compares: Non-Finnish European, 0.00034%; no homozygotes.

Submissions (2):

Ambry Genetics
Classification: Uncertain significance for Inborn genetic diseases. Last evaluated: 2025-09-28. Review status: criteria provided, single submitter. Criteria: Ambry Variant Classification Scheme 2023. Collection method: clinical testing. Allele origin: germline.

Labcorp Genetics (formerly Invitae), Labcorp
Classification: Uncertain significance. Last evaluated: 2023-08-01. Review status: criteria provided, single submitter. Criteria: Invitae Variant Classification Sherloc (09022015). Collection method: clinical testing. Allele origin: germline.
Comment: In summary, the available evidence is currently insufficient to determine the role of this variant in disease. Therefore, it has been classified as a Variant of Uncertain Significance. Advanced modeling of protein sequence and biophysical properties (such as structural, functional, and spatial information, amino acid conservation, physicochemical variation, residue mobility, and thermodynamic stability) performed at Invitae indicates that this missense variant is expected to disrupt TPP1 protein function. This variant has not been reported in the literature in individuals affected with TPP1-related conditions. This variant is not present in population databases (gnomAD no frequency). This sequence change replaces proline, which is neutral and non-polar, with alanine, which is neutral and non-polar, at codon 419 of the TPP1 protein (p.Pro419Ala).

NM_000391.4(TPP1):c.1255C>G (p.Pro419Ala)

Gene: TPP1 (tripeptidyl peptidase 1; minus strand). Cytogenetic location: 11p15.4.
Variant type: single nucleotide variant.
Coding change: c.1255C>G on transcript NM_000391.4 (MANE Select); coding-DNA position 1255, C replaced by G.
Protein change: p.Pro419Ala; replaces proline 419 with alanine.
Molecular consequence: missense variant.
Genome position (GRCh38, 1-based): chr11:6,615,453, G>C on the plus strand (C>G on the coding strand, the complement: TPP1 is on the minus strand). VCF-style: chr11-6615453-G-C. GRCh37 (hg19) VCF-style: chr11-6636684-G-C.
Other names: c.1255C>G (NM_000391.3); short protein forms P419A.
Identifiers: ClinVar variation 2957713 (VCV002957713.2), dbSNP rs944081613, ClinGen allele CA217321742.